The following is an entry in ClinVar:

ClinVar aggregate classification (germline): Pathogenic (1 of 4 stars; one submission).

Submission:

GeneDx
Classification: Pathogenic. Last evaluated: 2015-07-27. Review status: criteria provided, single submitter. Criteria: GeneDx Variant Classification (06012015). Collection method: clinical testing. Allele origin: germline. Affected: yes.
Comment: The c.602_605dupACTT duplication causes a frameshift starting with codonPhenylalanine 202, changes this amino acid to a Leucine residue and creates a premature Stop codon atposition 3 of the new reading frame, denoted p.Phe202LeufsX3. This duplication is predicted to cause loss ofnormal protein function either through protein truncation or nonsense-mediated mRNA decay. Therefore, we interpret c.602_605dupACTT as a pathogenic variant.

NM_000397.4(CYBB):c.602_605dup (p.Phe202fs)

Gene: CYBB (cytochrome b-245 beta chain; plus strand). Cytogenetic location: Xp21.1.
Variant type: Duplication.
Coding change: c.602_605dup on transcript NM_000397.4 (MANE Select); coding-DNA positions 602 to 605, 4 bases duplicated (ACTT; older notation c.602_605dupACTT).
Protein change: p.Phe202fs; shifts the reading frame from phenylalanine 202.
Molecular consequence: frameshift variant.
Genome position (GRCh38, 1-based): chrX:37,796,069-37,796,072, ACTT duplicated; duplicating any 4 consecutive bases within chrX:37,796,066-37,796,072 gives the same sequence; the c. name uses the placement nearest the transcript's 3' end. VCF-style (leftmost placement, unchanged base first): chrX-37796065-T-TCTTA. GRCh37 (hg19) VCF-style: chrX-37655318-T-TCTTA.
Other names: c.602_605dupACTT (NM_000397.3); short protein forms F202fs.
Identifiers: ClinVar variation 419587 (VCV000419587.2), dbSNP rs1556468363, ClinGen allele CA16621367.